The following is an entry in ClinVar:

ClinVar aggregate classification (germline): Pathogenic (1 of 4 stars; one submission).

Submission:

Labcorp Genetics (formerly Invitae), Labcorp
Classification: Pathogenic. Last evaluated: 2020-03-31. Review status: criteria provided, single submitter. Criteria: Invitae Variant Classification Sherloc (09022015). Collection method: clinical testing. Allele origin: germline.
Comment: This sequence change creates a premature translational stop signal (p.Leu1524Trpfs*63) in the LAMA3 gene. It is expected to result in an absent or disrupted protein product. This variant is not present in population databases (ExAC no frequency). This variant has not been reported in the literature in individuals with LAMA3-related disease. ClinVar contains an entry for this variant (Variation ID: 653552). Loss-of-function variants in LAMA3 are known to be pathogenic (PMID: 10366601, 11810295, 12915477, 16473856, 17362460, 23869449, 28087116). For these reasons, this variant has been classified as Pathogenic.

Literature cited by the submitters: PubMed 10366601; PubMed 11810295; PubMed 12915477; PubMed 16473856; PubMed 17362460; PubMed 23869449; PubMed 28087116.

NM_198129.4(LAMA3):c.9397del (p.Leu3133fs)

Gene: LAMA3 (laminin subunit alpha 3; plus strand). Cytogenetic location: 18q11.2.
Variant type: Deletion.
Coding change: c.9397del on transcript NM_198129.4 (MANE Select); coding-DNA position 9397, one base deleted (C; older notation c.9397delC).
Protein change: p.Leu3133fs; shifts the reading frame from leucine 3133.
Molecular consequence: frameshift variant.
Genome position (GRCh38, 1-based): chr18:23,949,810, C deleted. VCF-style (leftmost placement, unchanged base first): chr18-23949809-GC-G. GRCh37 (hg19) VCF-style: chr18-21529773-GC-G.
Other names: c.4570del, p.Leu1524fs (NM_000227.6); c.9229del, p.Leu3077fs (NM_001127717.4); c.4402del, p.Leu1468fs (NM_001127718.4); short protein forms L3077fs, L3133fs, L1524fs, L1468fs.
Identifiers: ClinVar variation 653552 (VCV000653552.6), dbSNP rs1599181806, ClinGen allele CA915952482.